The following continues an entry in ClinVar:

NM_000552.5(VWF):c.4517C>T (p.Ser1506Leu)

Gene: VWF. ClinVar aggregate classification (germline): Pathogenic/Likely pathogenic. Pathogenic (6); Likely pathogenic (3).

Submission 13 of 13:

ISTH-SSC Genomics in Thrombosis and Hemostasis, KU Leuven, Center for Molecular and Vascular Biology
Classification: Likely pathogenic for von Willebrand disorder. Review status: no assertion criteria provided. Collection method: research. Allele origin: unknown. Affected: yes. Not counted in ClinVar's aggregate classification.
Comment: Submitted to GoldVariant by Dr Karyn Mégy from NIHR Bioresource - Cambridge University, UK

Literature cited by the submitters: PubMed 1537829 (cited by Mayo Clinic Laboratories, Mayo Clinic and Quest Diagnostics Nichols Institute San Juan Capistrano); PubMed 16322474 (cited by 4 submitters); PubMed 22329792 (cited by Mayo Clinic Laboratories, Mayo Clinic and Versiti Diagnostic Laboratories, Versiti, Inc); PubMed 22431572 (cited by 4 submitters); PubMed 26988807 (cited by Mayo Clinic Laboratories, Mayo Clinic and Women's Health and Genetics/Laboratory Corporation of America, LabCorp); PubMed 27214365 (cited by Mayo Clinic Laboratories, Mayo Clinic); PubMed 27443694 (cited by Mayo Clinic Laboratories, Mayo Clinic and Quest Diagnostics Nichols Institute San Juan Capistrano); PubMed 27766062 (cited by Mayo Clinic Laboratories, Mayo Clinic and Quest Diagnostics Nichols Institute San Juan Capistrano); PubMed 28971901 (cited by 3 submitters); PubMed 35452508 (cited by Mayo Clinic Laboratories, Mayo Clinic); PubMed 35505650 (cited by Mayo Clinic Laboratories, Mayo Clinic); PubMed 36226571 (cited by 4 submitters); PubMed 7906590 (cited by Mayo Clinic Laboratories, Mayo Clinic and Quest Diagnostics Nichols Institute San Juan Capistrano); PubMed 8348943 (cited by Mayo Clinic Laboratories, Mayo Clinic); PubMed 24928861 (cited by Versiti Diagnostic Laboratories, Versiti, Inc); PubMed 1324533 (cited by Versiti Diagnostic Laboratories, Versiti, Inc and Quest Diagnostics Nichols Institute San Juan Capistrano); PubMed 26986123 (cited by Versiti Diagnostic Laboratories, Versiti, Inc); PubMed 28748566 (cited by Women's Health and Genetics/Laboratory Corporation of America, LabCorp); PubMed 30358069 (cited by Women's Health and Genetics/Laboratory Corporation of America, LabCorp); PubMed 22473027 (cited by Women's Health and Genetics/Laboratory Corporation of America, LabCorp and Quest Diagnostics Nichols Institute San Juan Capistrano); PubMed 1380739 (cited by Quest Diagnostics Nichols Institute San Juan Capistrano); PubMed 25477497 (cited by Quest Diagnostics Nichols Institute San Juan Capistrano); PubMed 15297300 (cited by Quest Diagnostics Nichols Institute San Juan Capistrano); PubMed 31064749 (cited by Quest Diagnostics Nichols Institute San Juan Capistrano and NIHR Bioresource Rare Diseases, University of Cambridge); PubMed 31939074 (cited by Quest Diagnostics Nichols Institute San Juan Capistrano); PubMed 28536718 (cited by Quest Diagnostics Nichols Institute San Juan Capistrano); PubMed 9608359 (cited by Quest Diagnostics Nichols Institute San Juan Capistrano); PubMed 29186156 (cited by Quest Diagnostics Nichols Institute San Juan Capistrano); PubMed 31249928 (cited by Quest Diagnostics Nichols Institute San Juan Capistrano); PubMed 34803902 (cited by Quest Diagnostics Nichols Institute San Juan Capistrano); NCBI Bookshelf NBK7014 (cited by GeneReviews).